The following is an entry in ClinVar:

ClinVar aggregate classification (germline): Uncertain significance (1 of 4 stars; one submission).

Conditions:
Myasthenic syndrome, congenital, 22 (CMS22). Also called: PREPL DEFICIENCY. Identifiers: MedGen C4479088, MONDO:0044299, OMIM 616224.

Allele frequency attached by ClinVar (database versions not stated): ExAC 0.00001; gnomAD 0.00004 and 0.00005; TOPMed 0.00004.
gnomAD v4.1: 18 of 1,612,780 alleles (0.0011%); highest among the groups gnomAD compares: African/African-American, 0.023%; no homozygotes.

Submission:

Labcorp Genetics (formerly Invitae), Labcorp
Classification: Uncertain significance for Myasthenic syndrome, congenital, 22. Last evaluated: 2025-01-15. Review status: criteria provided, single submitter. Criteria: Invitae Variant Classification Sherloc (09022015). Collection method: clinical testing. Allele origin: germline.
Comment: This sequence change replaces proline, which is neutral and non-polar, with alanine, which is neutral and non-polar, at codon 473 of the PREPL protein (p.Pro473Ala). This variant is present in population databases (rs780193886, gnomAD 0.008%). This variant has not been reported in the literature in individuals affected with PREPL-related conditions. ClinVar contains an entry for this variant (Variation ID: 860610). Invitae Evidence Modeling of protein sequence and biophysical properties (such as structural, functional, and spatial information, amino acid conservation, physicochemical variation, residue mobility, and thermodynamic stability) indicates that this missense variant is not expected to disrupt PREPL protein function with a negative predictive value of 80%. In summary, the available evidence is currently insufficient to determine the role of this variant in disease. Therefore, it has been classified as a Variant of Uncertain Significance.

NM_001171613.2(PREPL):c.1150C>G (p.Pro384Ala)

Gene: PREPL (prolyl endopeptidase like; minus strand). Cytogenetic location: 2p21.
Variant type: single nucleotide variant.
Coding change: c.1150C>G on transcript NM_001171613.2 (MANE Select); coding-DNA position 1150, C replaced by G.
Protein change: p.Pro384Ala; replaces proline 384 with alanine.
Molecular consequence: missense variant.
Genome position (GRCh38, 1-based): chr2:44,329,049, G>C on the plus strand (C>G on the coding strand, the complement: PREPL is on the minus strand). VCF-style: chr2-44329049-G-C. GRCh37 (hg19) VCF-style: chr2-44556188-G-C.
Other names: c.1231C>G, p.Pro411Ala (NM_001042385.2); c.1219C>G, p.Pro407Ala (NM_001042386.2); c.1417C>G, p.Pro473Ala (NM_001171603.1, NM_001171606.2, NM_001374275.1 and 2 more transcripts); c.1150C>G, p.Pro384Ala (NM_001171617.1, NM_001374277.1); short protein forms P407A, P384A, P411A, P473A.
Identifiers: ClinVar variation 860610 (VCV000860610.9), dbSNP rs780193886, ClinGen allele CA1641213.